The following is an entry in ClinVar:

ClinVar aggregate classification (germline): Conflicting classifications of pathogenicity. Review status: criteria provided, conflicting classifications (1 of 4 stars). 6 submissions from 6 submitters: Uncertain significance (5); Likely benign (1). Last evaluated 2026-03-27.

Conditions:
Noonan syndrome 3 (NS3). Also called: KRAS-Related Noonan Syndrome. Identifiers: Orphanet 648, MedGen C1860991, MONDO:0012371, OMIM 609942.
Acute myeloid leukemia (AML). Also called: Leukemia, acute myeloid, somatic; Leukemia, acute myelogenous, somatic; Acute myeloid leukemia, adult; AML adult; Acute non-lymphocytic leukemia; Acute granulocytic leukemia. Identifiers: Orphanet 519, MedGen C0023467, MeSH D015470, MONDO:0018874, OMIM 601626, HP:0004808. Disease mechanism: Constitutively activated FLT3.
Autoimmune lymphoproliferative syndrome type 4. Also called: RAS-associated autoimmune leukoproliferative disorder; AUTOIMMUNE LYMPHOPROLIFERATIVE SYNDROME, TYPE IV. Identifiers: Orphanet 268114, MedGen C2674723, MONDO:0013767, OMIM 614470.
Linear nevus sebaceous syndrome. Also called: SCHIMMELPENNING-FEUERSTEIN-MIMS SYNDROME, SOMATIC MOSAIC; Linear nevus sebaceous; JADASSOHN NEVUS PHAKOMATOSIS; NEVUS SEBACEUS OF JADASSOHN; ORGANOID NEVUS PHAKOMATOSIS; SFM SYNDROME. Identifiers: Orphanet 2612, MedGen C4552097, MONDO:0008097, OMIM 163200, HP:0010817.
Toriello-Lacassie-Droste syndrome. Identifiers: Orphanet 3339, MedGen C1838329, MONDO:0010854, OMIM 600268.
Cerebral arteriovenous malformation (BAVM). Also called: CEREBRAL ARTERIOVENOUS MALFORMATIONS; Arteriovenous malformations of the brain. Identifiers: Orphanet 46724, MedGen C0917804, MONDO:0007154, OMIM 108010, HP:0002408.
Familial cancer of breast. Also called: Hereditary breast cancer; BREAST CANCER, FAMILIAL; hereditary breast carcinoma. Identifiers: Orphanet 227535, MedGen C0346153, MONDO:0016419, OMIM 114480. Disease mechanism: loss of function.
Gastric cancer. Also called: Stomach cancer; Malignant tumor of stomach. Identifiers: MedGen C0024623, MeSH D013274, MONDO:0001056, OMIM 613659, HP:0012126.
Malignant tumor of urinary bladder. Also called: Urinary Bladder Neoplasms; Bladder cancer; Urinary bladder cancer. Identifiers: MedGen C0005684, MONDO:0001187, OMIM 109800.
Familial pancreatic carcinoma. Identifiers: Orphanet 1333, MedGen C2931038, MONDO:0015278, OMIM 260350.
Cardiofaciocutaneous syndrome 2 (CFC2). Also called: KRAS-Related Cardiofaciocutaneous Syndrome. Identifiers: Orphanet 1340, MedGen C3809005, MONDO:0014112, OMIM 615278.
Lung cancer. Also called: Malignant tumor of lung; Lung cancer, somatic. Identifiers: MedGen C0242379, MONDO:0008903, OMIM 211980.
Noonan syndrome (NS). Also called: Noonan's syndrome. Identifiers: Orphanet 648, MedGen C0028326, MeSH D009634, MONDO:0018997. Disease mechanism: gain of function.
RASopathy. Also called: rasopathies; Noonan spectrum disorder. Identifiers: Orphanet 536391, MedGen C5555857, MONDO:0021060.
KRAS-related disorder. Also called: KRAS-related disorders; KRAS-related condition.

Submissions (6):

PreventionGenetics, part of Exact Sciences
Classification: Uncertain significance for KRAS-related condition. Last evaluated: 2026-03-27. Review status: criteria provided, single submitter. Criteria: ACMG Guidelines, 2015. Collection method: clinical testing. Allele origin: germline.
Comment: The KRAS c.547_552del6 variant is predicted to result in an in-frame deletion (p.Thr183_Lys184del). This variant was reported in an individual with cardio-facio-cutaneous syndrome (CFCS, Abe et al. 2012. PubMed ID: 22495831), however, this individual also carried a pathogenic variant in an alternative gene associated with CFCS. This variant is reported in 0.0057% of alleles in individuals of Latino descent in gnomAD. At this time, the clinical significance of this variant is uncertain due to the absence of conclusive functional and genetic evidence.

Women's Health and Genetics/Laboratory Corporation of America, LabCorp
Classification: Uncertain significance. Last evaluated: 2025-10-09. Review status: criteria provided, single submitter. Criteria: LabCorp Variant Classification Summary - May 2015. Collection method: clinical testing. Allele origin: germline.
Comment: Variant summary: KRAS NM_004985.5 c.547_552delACAAAG (p.Thr183_Lys184del) results in an in-frame deletion that is predicted to remove two amino acids from the encoded protein. This variant, also annotated as KRAS NM_033360.4 c.*101_*106delACAAAG, is located in the untranslated mRNA region downstream of the termination codon. The variant allele was found at a frequency of 1.2e-05 in 249356 control chromosomes (gnomAD v2.1). The available data on variant occurrences in the general population are insufficient to allow any conclusion about variant significance. The variant, reported as p.Thr183_Lys184del, has been observed in an individual affected with Cardiofaciocutaneous Syndrome (Abe_2012). However, this individual also carried a co-occurring pathogenic variant in a different gene, which could explain the phenotype (BRAF c.1390G>A, p.Gly464Arg), providing supporting evidence for a benign role. To our knowledge, no experimental evidence demonstrating an impact on protein function has been reported. The following publication has been ascertained in the context of this evaluation (PMID: 22495831). ClinVar contains an entry for this variant (Variation ID: 620625). Based on the evidence outlined above, the variant was classified as uncertain significance.

Labcorp Genetics (formerly Invitae), Labcorp
Classification: Uncertain significance for RASopathy. Last evaluated: 2025-08-11. Review status: criteria provided, single submitter. Criteria: Invitae Variant Classification Sherloc (09022015). Collection method: clinical testing. Allele origin: germline.
Comment: This variant, c.547_552del, results in the deletion of 2 amino acid(s) of the KRAS protein (p.Thr183_Lys184del), but otherwise preserves the integrity of the reading frame. This variant is present in population databases (no rsID available, gnomAD 0.006%). This variant has been observed in individual(s) with cardio-facio-cutaneous syndrome (PMID: 22495831). ClinVar contains an entry for this variant (Variation ID: 620625). Experimental studies and prediction algorithms are not available or were not evaluated, and the functional significance of this variant is currently unknown. Algorithms developed to predict the effect of sequence changes on RNA splicing suggest that this variant may create or strengthen a splice site. In summary, the available evidence is currently insufficient to determine the role of this variant in disease. Therefore, it has been classified as a Variant of Uncertain Significance.

CeGaT Center for Human Genetics Tuebingen
Classification: Likely benign. Last evaluated: 2024-07-01. Review status: criteria provided, single submitter. Criteria: CeGaT Center For Human Genetics Tuebingen Variant Classification Criteria Version 2. Collection method: clinical testing. Allele origin: germline. Affected: yes. Observed: 1 variant allele.
Comment: KRAS: PM4, BS1

Fulgent Genetics
Classification: Uncertain significance for Cerebral arteriovenous malformation; Malignant tumor of urinary bladder; Familial cancer of breast; Linear nevus sebaceous syndrome; Lung cancer; Familial pancreatic carcinoma; Toriello-Lacassie-Droste syndrome; Acute myeloid leukemia; Noonan syndrome 3; Gastric cancer; Autoimmune lymphoproliferative syndrome type 4; Cardiofaciocutaneous syndrome 2. Last evaluated: 2024-04-25. Review status: criteria provided, single submitter. Criteria: ACMG Guidelines, 2015. Collection method: clinical testing. Allele origin: germline.

St. Jude Molecular Pathology, St. Jude Children's Research Hospital
Classification: Uncertain significance for Noonan syndrome. Last evaluated: 2020-09-22. Review status: criteria provided, single submitter. Criteria: St. Jude Assertion Criteria 2020. Collection method: clinical testing. Allele origin: germline.

Literature cited by the submitters: PubMed 22495831 (cited by Women's Health and Genetics/Laboratory Corporation of America, LabCorp and Labcorp Genetics (formerly Invitae), Labcorp).

NM_033360.4(KRAS):c.*101_*106del

Gene: KRAS (KRas proto-oncogene, GTPase; minus strand). Cytogenetic location: 12p12.1.
Variant type: Deletion.
Coding change: c.*101_*106del on transcript NM_033360.4 (MANE Plus Clinical); 101 bases downstream of the stop codon through 106 bases downstream of the stop codon, 6 bases deleted (ACAAAG; older notation c.*101_*106delACAAAG).
Molecular consequence: 3 prime UTR variant. On other transcripts: inframe deletion (2).
Genome position (GRCh38, 1-based): chr12:25,209,810-25,209,815, CTTTGT deleted on the plus strand (ACAAAG on the coding strand, the reverse complement: KRAS is on the minus strand); deleting any 6 consecutive bases within chr12:25,209,810-25,209,820 gives the same sequence; the c. name uses the placement nearest the transcript's 3' end. VCF-style (leftmost placement, unchanged base first): chr12-25209809-ACTTTGT-A. GRCh37 (hg19) VCF-style: chr12-25362743-ACTTTGT-A.
Other names: c.*101_*106del (NM_001369786.1, LRG_344t2); c.547_552del, p.Thr183_Lys184del (NM_001369787.1, NM_004985.5, LRG_344t1); c.*101_*106delACAAAG (NM_033360.4); c.547_552del6 (NM_004985.4).
Identifiers: ClinVar variation 620625 (VCV000620625.31), dbSNP rs1339924833, ClinGen allele CA603691326.